The following is an entry in ClinVar:

ClinVar aggregate classification (germline): Likely pathogenic (1 of 4 stars; one submission).

Conditions:
Primary familial dilated cardiomyopathy (FDC). Also called: Familial dilated cardiomyopathy; Hypokinetic dilated cardiomyopathy, familial. Identifiers: Orphanet 217607, MedGen C0340427, MONDO:0016333.

Submission:

Women's Health and Genetics/Laboratory Corporation of America, LabCorp
Classification: Likely pathogenic for Primary familial dilated cardiomyopathy. Last evaluated: 2026-06-17. Review status: criteria provided, single submitter. Criteria: LabCorp Variant Classification Summary - May 2015. Collection method: clinical testing. Allele origin: germline.
Comment: Variant summary: TTN NM_133378: c.64596T>A (p.Tyr21532X) (also known as NM_001267550: c.72300T>A (p.Tyr24100X)) results in a premature termination codon, predicted to cause a truncation of the encoded protein or absence of the protein due to nonsense mediated decay, which are commonly known mechanisms for disease. Loss of function variants in all TTN bands are strongly associated with a spectrum of autosomal recessive titinopathies when exon expression (proportion spliced in, PSI, 1=complete expression) in skeletal muscle is >0.1 (PMID: 36977548, 39198997, 29598826, 32778822, 29691892, 33449170, 36977548, internal data). In contrast, loss of function variants in all TTN bands are only strongly associated with autosomal dominant TTN-related cardiomyopathies if located in exons constitutively expressed (PSI >0.9) in cardiac muscle, excluding extreme C-terminal exons 359-363 (PMID: 25589632, 31216868, 32964742, 34662387, 27869827, Shetty et al., Nat Cardiovasc Res 2024,, internal data). This variant is located in exon 326 in NM_001267550. This exon has a maximum skeletal muscle PSI of 0.968 and a maximum cardiac muscle PSI of 1 (PMID: 39198997). The variant was absent in 248272 control chromosomes. To our knowledge, no occurrence of c.64596T>A in individuals affected with TTN-related conditions and no experimental evidence demonstrating its impact on protein function have been reported. No submitters have cited clinical-significance assessments for this variant to ClinVar. Based on the evidence outlined above, the variant was classified as likely pathogenic for both autosomal dominant and autosomal recessive TTN-related conditions.

NM_001267550.2(TTN):c.72300T>A (p.Tyr24100Ter)

Genes: TTN (titin; minus strand), TTN-AS1 (TTN antisense RNA 1; plus strand). Cytogenetic location: 2q31.2.
Variant type: single nucleotide variant.
Coding change: c.72300T>A on transcript NM_001267550.2 (MANE Select); coding-DNA position 72300, T replaced by A.
Protein change: p.Tyr24100Ter; replaces tyrosine 24100 with a stop codon.
Molecular consequence: nonsense.
Genome position (GRCh38, 1-based): chr2:178,573,832, A>T on the plus strand (T>A on the coding strand, the complement: TTN is on the minus strand). VCF-style: chr2-178573832-A-T. GRCh37 (hg19) VCF-style: chr2-179438559-A-T.
Other names: c.67377T>A, p.Tyr22459Ter (NM_001256850.1); c.45105T>A, p.Tyr15035Ter (NM_003319.4); c.64596T>A, p.Tyr21532Ter (NM_133378.4); c.45480T>A, p.Tyr15160Ter (NM_133432.3); c.45681T>A, p.Tyr15227Ter (NM_133437.4); short protein forms Y15035*, Y15160*, Y15227*, Y21532*, Y22459*, Y24100*.
Identifiers: ClinVar variation 4887177 (VCV004887177.1).
Genomic context (GRCh38, chr2:178,573,832, plus strand): 5'-AAGAACTTTGACATTGAAAATGTGTTTAGCAAAGCCACCAGGATTAGTCGCTGTAAGGGT[A>T]TAGGCACCACTATCCCTTCTTGTTGAATCTTTGTTTACCAGATTAGTAGAGAAATCTGCA-3'